The following is an entry in ClinVar:

NM_015122.3(FCHO1):c.307G>A (p.Gly103Ser)

Gene: FCHO1 (FCH and mu domain containing endocytic adaptor 1; plus strand). Cytogenetic location: 19p13.11.
Variant type: single nucleotide variant.
Coding change: c.307G>A on transcript NM_015122.3 (MANE Select); coding-DNA position 307, G replaced by A.
Protein change: p.Gly103Ser; replaces glycine 103 with serine.
Molecular consequence: missense variant. On other transcripts: non-coding transcript variant (34).
Genome position (GRCh38, 1-based): chr19:17,766,781, G>A. VCF-style: chr19-17766781-G-A. GRCh37 (hg19) VCF-style: chr19-17877590-G-A.
Other names: c.307G>A (NM_001161357.1); c.307G>A, p.Gly103Ser (NM_001161357.2, NM_001161358.2, NM_001384370.1 and 29 more transcripts); c.157G>A, p.Gly53Ser (NM_001161359.2, NM_001384384.1, NM_001384385.1 and 3 more transcripts); c.232G>A, p.Gly78Ser (NM_001384390.1); short protein forms G103S, G78S, G53S.
Identifiers: ClinVar variation 1448191 (VCV001448191.7), dbSNP rs146048151, ClinGen allele CA9300046.
Genomic context (GRCh38, chr19:17,766,781, plus strand): 5'-CTGTGCCACCTGGAACTGACACGGAAGTTACAGGATCTCATCAAGGACGTTCTCCGCTAC[G>A]GCGAGGAACAGCTCAAGACCCACAAGAAGGTGTGTGTCGTGGGCGCCGCCCAGCGGCTGG-3'
Protein context (NP_055937.1, residues 93-113): QDLIKDVLRY[Gly103Ser]EEQLKTHKKC

ClinVar aggregate classification (germline): Conflicting classifications of pathogenicity. Review status: criteria provided, conflicting classifications (1 of 4 stars). 3 submissions from 3 submitters: Uncertain significance (2); Likely benign (1). Last evaluated 2025-08-06.

Allele frequency attached by ClinVar (database versions not stated): TOPMed 0.00015; gnomAD 0.00020 and 0.00021; gnomAD exomes 0.00021 and 0.00039; ExAC 0.00024; ESP Exome Variant Server 0.00031; 1000 Genomes Project 0.00060; 1000 Genomes Project 30x 0.00078.
gnomAD v4.1: 598 of 1,614,118 alleles (0.037%); highest among the groups gnomAD compares: Non-Finnish European, 0.047%; no homozygotes.

Submissions (4):

Ambry Genetics
Classification: Uncertain significance. Last evaluated: 2025-08-06. Review status: criteria provided, single submitter. Criteria: Ambry Variant Classification Scheme 2023. Collection method: clinical testing. Allele origin: germline.

Blueprint Genetics
Classification: Likely benign. Last evaluated: 2024-08-09. Review status: criteria provided, single submitter. Criteria: ACMG Guidelines, 2015. Collection method: clinical testing. Allele origin: germline.

Labcorp Genetics (formerly Invitae), Labcorp
Classification: Uncertain significance. Last evaluated: 2024-01-02. Review status: criteria provided, single submitter. Criteria: Invitae Variant Classification Sherloc (09022015). Collection method: clinical testing. Allele origin: germline.
Comment: This sequence change replaces glycine, which is neutral and non-polar, with serine, which is neutral and polar, at codon 103 of the FCHO1 protein (p.Gly103Ser). This variant is present in population databases (rs146048151, gnomAD 0.03%). This variant has not been reported in the literature in individuals affected with FCHO1-related conditions. ClinVar contains an entry for this variant (Variation ID: 1448191). Algorithms developed to predict the effect of missense changes on protein structure and function output the following: SIFT: "Not Available"; PolyPhen-2: "Benign"; Align-GVGD: "Not Available". The serine amino acid residue is found in multiple mammalian species, which suggests that this missense change does not adversely affect protein function. In summary, the available evidence is currently insufficient to determine the role of this variant in disease. Therefore, it has been classified as a Variant of Uncertain Significance.

Dr. Peter K. Rogan Lab, Western University
No classification provided (evidence only). Condition: Clear cell carcinoma of kidney. Review status: no classification provided. Collection method: in vitro. Allele origin: not applicable. Functional consequence: retained intron. Not counted in ClinVar's aggregate classification.